The following is an entry in ClinVar:

ClinVar aggregate classification (germline): Uncertain significance (1 of 4 stars; one submission).

Conditions:
Cardiovascular phenotype. Identifiers: MedGen CN230736.

Submission:

Ambry Genetics
Classification: Uncertain significance for Cardiovascular phenotype. Last evaluated: 2026-03-15. Review status: criteria provided, single submitter. Criteria: Ambry Variant Classification Scheme 2023. Collection method: clinical testing. Allele origin: germline.
Comment: The p.N323H variant (also known as c.967A>C), located in coding exon 2 of the HCN4 gene, results from an A to C substitution at nucleotide position 967. The asparagine at codon 323 is replaced by histidine, an amino acid with similar properties. This amino acid position is conserved. In addition, the in silico prediction for this alteration is inconclusive. Based on the available evidence, the clinical significance of this variant remains unclear.

NM_005477.3(HCN4):c.967A>C (p.Asn323His)

Genes: HCN4 (hyperpolarization activated cyclic nucleotide gated potassium channel 4; minus strand), LOC105370890 (uncharacterized LOC105370890; plus strand), LOC126862173 (CDK7 strongly-dependent group 2 enhancer GRCh37_chr15:73635762-73636961; plus strand). Cytogenetic location: 15q24.1.
Variant type: single nucleotide variant.
Coding change: c.967A>C on transcript NM_005477.3 (MANE Select); coding-DNA position 967, A replaced by C.
Protein change: p.Asn323His; replaces asparagine 323 with histidine.
Molecular consequence: missense variant.
Genome position (GRCh38, 1-based): chr15:73,343,627, T>G on the plus strand (A>C on the coding strand, the complement: HCN4 is on the minus strand). VCF-style: chr15-73343627-T-G. GRCh37 (hg19) VCF-style: chr15-73635968-T-G.
Other names: short protein forms N323H.
Identifiers: ClinVar variation 4858303 (VCV004858303.1).